The following is an entry in ClinVar:

ClinVar aggregate classification (germline): Conflicting classifications of pathogenicity. Review status: criteria provided, conflicting classifications (1 of 4 stars). 3 submissions from 3 submitters: Pathogenic (1); Likely pathogenic (1); Uncertain significance (1). Last evaluated 2025-06-05.

Conditions:
Epiphyseal dysplasia, multiple, 2 (EDM2). Also called: COL9A2-Related Multiple Epiphyseal Dysplasia. Identifiers: MedGen C1838429, MONDO:0010844, OMIM 600204.
COL9A2-related disorder. Also called: COL9A2-related condition.

Submissions (3):

Labcorp Genetics (formerly Invitae), Labcorp
Classification: Pathogenic. Last evaluated: 2025-06-05. Review status: criteria provided, single submitter. Criteria: Invitae Variant Classification Sherloc (09022015). Collection method: clinical testing. Allele origin: germline.
Comment: This sequence change creates a premature translational stop signal (p.Gly415Argfs*29) in the COL9A2 gene. It is expected to result in an absent or disrupted protein product. Loss-of-function variants in COL9A2 are known to be pathogenic (PMID: 21671392, 33356723). The frequency data for this variant in the population databases is considered unreliable, as metrics indicate poor data quality at this position in the gnomAD database. This variant has not been reported in the literature in individuals affected with COL9A2-related conditions. ClinVar contains an entry for this variant (Variation ID: 982740). For these reasons, this variant has been classified as Pathogenic.

Blueprint Genetics
Classification: Likely pathogenic for COL9A2-related disorders. Last evaluated: 2022-10-24. Review status: criteria provided, single submitter. Criteria: ACMG Guidelines, 2015. Collection method: clinical testing. Allele origin: germline. Affected: yes. Observed: 1 variant allele.

Institute of Human Genetics, University of Leipzig Medical Center
Classification: Uncertain significance for Epiphyseal dysplasia, multiple, 2. Last evaluated: 2019-01-01. Review status: criteria provided, single submitter. Criteria: ACMG Guidelines, 2015. Collection method: clinical testing. Allele origin: unknown. Affected: no.

Literature cited by the submitters: PubMed 21671392 (cited by Labcorp Genetics (formerly Invitae), Labcorp); PubMed 33356723 (cited by Labcorp Genetics (formerly Invitae), Labcorp).

NM_001852.4(COL9A2):c.1242dup (p.Gly415fs)

Gene: COL9A2 (collagen type IX alpha 2 chain; minus strand). Cytogenetic location: 1p34.2.
Variant type: Duplication.
Coding change: c.1242dup on transcript NM_001852.4 (MANE Select); coding-DNA position 1242, one base duplicated (C; older notation c.1242dupC).
Protein change: p.Gly415fs; shifts the reading frame from glycine 415.
Molecular consequence: frameshift variant.
Genome position (GRCh38, 1-based): chr1:40,304,365, G duplicated on the plus strand (C on the coding strand, the reverse complement: COL9A2 is on the minus strand); the first of 7 consecutive G bases (chr1:40,304,365-40,304,371); duplicating any one gives the same sequence. VCF-style (leftmost placement, unchanged base first): chr1-40304364-C-CG. GRCh37 (hg19) VCF-style: chr1-40770036-C-CG.
Other names: short protein forms G415fs.
Identifiers: ClinVar variation 982740 (VCV000982740.6), dbSNP rs756694568, ClinGen allele CA791519.